The following is an entry in ClinVar:

NM_000540.3(RYR1):c.14570T>A (p.Phe4857Tyr)

Gene: RYR1 (ryanodine receptor 1; plus strand). Cytogenetic location: 19q13.2.
Variant type: single nucleotide variant.
Coding change: c.14570T>A on transcript NM_000540.3 (MANE Select); coding-DNA position 14570, T replaced by A.
Protein change: p.Phe4857Tyr; replaces phenylalanine 4857 with tyrosine.
Molecular consequence: missense variant.
Genome position (GRCh38, 1-based): chr19:38,580,428, T>A. VCF-style: chr19-38580428-T-A. GRCh37 (hg19) VCF-style: chr19-39071068-T-A.
Other names: c.14555T>A, p.Phe4852Tyr (NM_001042723.2); short protein forms F4852Y, F4857Y.
Identifiers: ClinVar variation 1468610 (VCV001468610.8), dbSNP rs1974148669, ClinGen allele CA405687728.

ClinVar aggregate classification (germline): Likely pathogenic (1 of 4 stars; one submission).

Conditions:
RYR1-related disorder. Also called: RYR1-related condition; RYR1-related disorders. Identifiers: MedGen CN239331.

Submission:

Labcorp Genetics (formerly Invitae), Labcorp
Classification: Likely pathogenic for RYR1-related disorder. Last evaluated: 2021-05-11. Review status: criteria provided, single submitter. Criteria: Invitae Variant Classification Sherloc (09022015). Collection method: clinical testing. Allele origin: germline.
Comment: This variant is not present in population databases (ExAC no frequency). This sequence change replaces phenylalanine with tyrosine at codon 4857 of the RYR1 protein (p.Phe4857Tyr). The phenylalanine residue is highly conserved and there is a small physicochemical difference between phenylalanine and tyrosine. This variant has not been reported in the literature in individuals with RYR1-related conditions. In summary, the currently available evidence indicates that the variant is pathogenic, but additional data are needed to prove that conclusively. Therefore, this variant has been classified as Likely Pathogenic. This variant disrupts the p.Phe4857 amino acid residue in RYR1. Other variant(s) that disrupt this residue have been determined to be pathogenic (PMID: 28527222, 30788618). This suggests that this residue is clinically significant, and that variants that disrupt this residue are likely to be disease-causing Advanced modeling of protein sequence and biophysical properties (such as structural, functional, and spatial information, amino acid conservation, physicochemical variation, residue mobility, and thermodynamic stability) performed at Invitae indicates that this missense variant is expected to disrupt RYR1 protein function.

Literature cited by the submitters: PubMed 28527222; PubMed 30788618.